The following is an entry in ClinVar:

ClinVar aggregate classification (germline): Likely benign (0 of 4 stars; one submission).

Conditions:
WDR73-related disorder. Also called: WDR73-related disorders; WDR73-related condition.

Submission:

PreventionGenetics, part of Exact Sciences
Classification: Likely benign for WDR73-related condition. Last evaluated: 2022-02-28. Review status: no assertion criteria provided. Collection method: clinical testing. Allele origin: germline.
Comment: This variant is classified as likely benign based on ACMG/AMP sequence variant interpretation guidelines (Richards et al. 2015 PMID: 25741868, with internal and published modifications).

NM_032856.5(WDR73):c.828A>G (p.Pro276=)

Gene: WDR73 (WD repeat domain 73; minus strand). Cytogenetic location: 15q25.2.
Variant type: single nucleotide variant.
Coding change: c.828A>G on transcript NM_032856.5 (MANE Select); coding-DNA position 828, A replaced by G.
Protein change: p.Pro276=; no amino-acid change (proline 276 retained).
Molecular consequence: synonymous variant. On other transcripts: non-coding transcript variant (4).
Genome position (GRCh38, 1-based): chr15:84,645,526, T>C on the plus strand (A>G on the coding strand, the complement: WDR73 is on the minus strand). VCF-style: chr15-84645526-T-C. GRCh37 (hg19) VCF-style: chr15-85188757-T-C.
Identifiers: ClinVar variation 3054147 (VCV003054147.2), dbSNP rs2505370633, ClinGen allele CA491852445.